The following is an entry in ClinVar:

ClinVar aggregate classification (germline): Uncertain significance (1 of 4 stars; one submission).

Conditions:
Bethlem myopathy 1A. Also called: MYOPATHY, BENIGN CONGENITAL, WITH CONTRACTURES; Bethlem myopathy 1; Bethlem Muscular Dystrophy. Identifiers: Orphanet 610, MedGen CN029274, MONDO:0024530, OMIM 158810.

Allele frequency attached by ClinVar (database versions not stated): TOPMed below 0.00001; gnomAD 0.00001; gnomAD exomes 0.00001.
gnomAD v4.1: 4 of 1,614,102 alleles (0.00025%); highest among the groups gnomAD compares: Non-Finnish European, 0.00034%; no homozygotes.

Submission:

Labcorp Genetics (formerly Invitae), Labcorp
Classification: Uncertain significance for Bethlem myopathy 1A. Last evaluated: 2023-11-17. Review status: criteria provided, single submitter. Criteria: Invitae Variant Classification Sherloc (09022015). Collection method: clinical testing. Allele origin: germline.
Comment: This sequence change replaces valine, which is neutral and non-polar, with glycine, which is neutral and non-polar, at codon 2106 of the COL6A3 protein (p.Val2106Gly). This variant is present in population databases (no rsID available, gnomAD 0.002%). This variant has not been reported in the literature in individuals affected with COL6A3-related conditions. Advanced modeling of protein sequence and biophysical properties (such as structural, functional, and spatial information, amino acid conservation, physicochemical variation, residue mobility, and thermodynamic stability) performed at Invitae indicates that this missense variant is not expected to disrupt COL6A3 protein function with a negative predictive value of 80%. In summary, the available evidence is currently insufficient to determine the role of this variant in disease. Therefore, it has been classified as a Variant of Uncertain Significance.

NM_004369.4(COL6A3):c.6317T>G (p.Val2106Gly)

Genes: COL6A3 (collagen type VI alpha 3 chain; minus strand), LOC122889011 (Sharpr-MPRA regulatory region 1020; plus strand). Cytogenetic location: 2q37.3.
Variant type: single nucleotide variant.
Coding change: c.6317T>G on transcript NM_004369.4 (MANE Select); coding-DNA position 6317, T replaced by G.
Protein change: p.Val2106Gly; replaces valine 2106 with glycine.
Molecular consequence: missense variant.
Genome position (GRCh38, 1-based): chr2:237,359,243, A>C on the plus strand (T>G on the coding strand, the complement: COL6A3 is on the minus strand). VCF-style: chr2-237359243-A-C. GRCh37 (hg19) VCF-style: chr2-238267886-A-C.
Other names: c.4496T>G, p.Val1499Gly (NM_057166.5); c.5699T>G, p.Val1900Gly (NM_057167.4); short protein forms V1499G, V1900G, V2106G.
Identifiers: ClinVar variation 2696868 (VCV002696868.3), dbSNP rs1205856351, ClinGen allele CA351216131.